The following is an entry in ClinVar:

NM_001134831.2(AHI1):c.3274A>C (p.Ser1092Arg)

Gene: AHI1 (Abelson helper integration site 1; minus strand). Cytogenetic location: 6q23.3.
Variant type: single nucleotide variant.
Coding change: c.3274A>C on transcript NM_001134831.2 (MANE Select); coding-DNA position 3274, A replaced by C.
Protein change: p.Ser1092Arg; replaces serine 1092 with arginine.
Molecular consequence: missense variant.
Genome position (GRCh38, 1-based): chr6:135,323,216, T>G on the plus strand (A>C on the coding strand, the complement: AHI1 is on the minus strand). VCF-style: chr6-135323216-T-G. GRCh37 (hg19) VCF-style: chr6-135644354-T-G.
Other names: c.3274A>C, p.Ser1092Arg (NM_001134830.2, NM_001350503.2, NM_001350504.2 and 1 more transcripts); short protein forms S1092R.
Identifiers: ClinVar variation 836031 (VCV000836031.9), dbSNP rs375028507, ClinGen allele CA4012055.

ClinVar aggregate classification (germline): Uncertain significance (1 of 4 stars; one submission).

Conditions:
Joubert syndrome. Also called: CEREBELLOPARENCHYMAL DISORDER IV; JOUBERT-BOLTSHAUSER SYNDROME; Familial aplasia of the vermis. Identifiers: Orphanet 475, MedGen C5979921, MONDO:0018772.

Allele frequency attached by ClinVar (database versions not stated): ExAC 0.00001; gnomAD exomes 0.00001 and 0.00002; gnomAD 0.00003 and 0.00004; TOPMed 0.00003; ESP Exome Variant Server 0.00008.
gnomAD v4.1: 30 of 1,613,702 alleles (0.0019%); highest among the groups gnomAD compares: African/African-American, 0.0027%; no homozygotes.

Submission:

Labcorp Genetics (formerly Invitae), Labcorp
Classification: Uncertain significance for Joubert syndrome. Last evaluated: 2023-08-04. Review status: criteria provided, single submitter. Criteria: Invitae Variant Classification Sherloc (09022015). Collection method: clinical testing. Allele origin: germline.
Comment: In summary, the available evidence is currently insufficient to determine the role of this variant in disease. Therefore, it has been classified as a Variant of Uncertain Significance. Advanced modeling of protein sequence and biophysical properties (such as structural, functional, and spatial information, amino acid conservation, physicochemical variation, residue mobility, and thermodynamic stability) performed at Invitae indicates that this missense variant is not expected to disrupt AHI1 protein function. ClinVar contains an entry for this variant (Variation ID: 836031). This variant has not been reported in the literature in individuals affected with AHI1-related conditions. This variant is present in population databases (rs375028507, gnomAD 0.004%). This sequence change replaces serine, which is neutral and polar, with arginine, which is basic and polar, at codon 1092 of the AHI1 protein (p.Ser1092Arg).